The following is an entry in ClinVar:

NM_023110.3(FGFR1):c.1323_1324delinsGG (p.Leu442Val)

Gene: FGFR1 (fibroblast growth factor receptor 1; minus strand). Cytogenetic location: 8p11.23.
Variant type: Indel.
Coding change: c.1323_1324delinsGG on transcript NM_023110.3 (MANE Select); coding-DNA positions 1323 to 1324, TC replaced by GG.
Protein change: p.Leu442Val; replaces leucine 442 with valine.
Molecular consequence: missense variant.
Genome position (GRCh38, 1-based): chr8:38,418,334-38,418,335, GA replaced by CC on the plus strand (TC replaced by GG on the coding strand, the reverse complement: FGFR1 is on the minus strand). VCF-style: chr8-38418334-GA-CC. GRCh37 (hg19) VCF-style: chr8-38275852-GA-CC.
Other names: c.1317_1318delinsGG, p.Leu440Val (NM_001174063.2, NM_001174065.2, NM_001354367.2 and 1 more transcripts); c.1293_1294delinsGG, p.Leu432Val (NM_001174064.2); c.1056_1057delinsGG, p.Leu353Val (NM_001174066.2, NM_023105.3); c.1416_1417delinsGG, p.Leu473Val (NM_001174067.2); c.1044_1045delinsGG, p.Leu349Val (NM_001354368.2); c.1311_1312delinsGG, p.Leu438Val (NM_001354369.2); c.1050_1051delinsGG, p.Leu351Val (NM_001354370.2, NM_023106.3); short protein forms L349V, L351V, L353V, L432V, L438V, L440V, L442V, L473V.
Identifiers: ClinVar variation 1315042 (VCV001315042.4), dbSNP rs2150677143, ClinGen allele CA2573053006.

ClinVar aggregate classification (germline): Uncertain significance. Review status: criteria provided, multiple submitters, no conflicts (2 of 4 stars). 2 submissions from 2 submitters: Uncertain significance (2). Last evaluated 2024-04-26.

Conditions:
Hypogonadotropic hypogonadism 2 with or without anosmia (HH2). Also called: HYPOGONADOTROPIC HYPOGONADISM 2 WITHOUT ANOSMIA; FGFR1-Related GnRH Deficiency (Kallmann Syndrome 2); HYPOGONADOTROPIC HYPOGONADISM 2 WITH OR WITHOUT ANOSMIA, SUSCEPTIBILITY TO; HYPOGONADOTROPIC HYPOGONADISM 2 WITHOUT ANOSMIA, SUSCEPTIBILITY TO. Identifiers: Orphanet 478, MedGen C1563720, MONDO:0007844, OMIM 147950. Disease mechanism: loss of function.
Pfeiffer syndrome (ACS5). Also called: ACS V. Identifiers: Orphanet 710, MedGen C0220658, MONDO:0007043, OMIM 101600.

Submissions (2):

Labcorp Genetics (formerly Invitae), Labcorp
Classification: Uncertain significance for Pfeiffer syndrome; Hypogonadotropic hypogonadism 2 with or without anosmia. Last evaluated: 2024-04-26. Review status: criteria provided, single submitter. Criteria: Invitae Variant Classification Sherloc (09022015). Collection method: clinical testing. Allele origin: germline.
Comment: This sequence change replaces leucine, which is neutral and non-polar, with valine, which is neutral and non-polar, at codon 442 of the FGFR1 protein (p.Leu442Val). Information on the frequency of this variant in the gnomAD database is not available, as this variant may be reported differently in the database. This variant has not been reported in the literature in individuals affected with FGFR1-related conditions. ClinVar contains an entry for this variant (Variation ID: 1315042). Experimental studies and prediction algorithms are not available or were not evaluated, and the functional significance of this variant is currently unknown. In summary, the available evidence is currently insufficient to determine the role of this variant in disease. Therefore, it has been classified as a Variant of Uncertain Significance.

GeneDx
Classification: Uncertain significance. Last evaluated: 2020-01-24. Review status: criteria provided, single submitter. Criteria: GeneDx Variant Classification Process June 2021. Collection method: clinical testing. Allele origin: germline. Affected: yes.
Comment: Not observed in large population cohorts (Lek et al., 2016); In silico analysis, which includes protein predictors and evolutionary conservation, supports that this variant does not alter protein structure/function; Has not been previously published as pathogenic or benign to our knowledge